The following is an entry in ClinVar:

ClinVar aggregate classification (germline): Uncertain significance (1 of 4 stars; one submission).

Submission:

Labcorp Genetics (formerly Invitae), Labcorp
Classification: Uncertain significance. Last evaluated: 2024-09-23. Review status: criteria provided, single submitter. Criteria: Invitae Variant Classification Sherloc (09022015). Collection method: clinical testing. Allele origin: germline.
Comment: This sequence change replaces glycine, which is neutral and non-polar, with glutamic acid, which is acidic and polar, at codon 1887 of the FRAS1 protein (p.Gly1887Glu). This variant is not present in population databases (gnomAD no frequency). This variant has not been reported in the literature in individuals affected with FRAS1-related conditions. Invitae Evidence Modeling of protein sequence and biophysical properties (such as structural, functional, and spatial information, amino acid conservation, physicochemical variation, residue mobility, and thermodynamic stability) indicates that this missense variant is not expected to disrupt FRAS1 protein function with a negative predictive value of 80%. In summary, the available evidence is currently insufficient to determine the role of this variant in disease. Therefore, it has been classified as a Variant of Uncertain Significance.

NM_025074.7(FRAS1):c.5660G>A (p.Gly1887Glu)

Gene: FRAS1 (Fraser extracellular matrix complex subunit 1; plus strand). Cytogenetic location: 4q21.21.
Variant type: single nucleotide variant.
Coding change: c.5660G>A on transcript NM_025074.7 (MANE Select); coding-DNA position 5660, G replaced by A.
Protein change: p.Gly1887Glu; replaces glycine 1887 with glutamic acid.
Molecular consequence: missense variant.
Genome position (GRCh38, 1-based): chr4:78,441,292, G>A. VCF-style: chr4-78441292-G-A. GRCh37 (hg19) VCF-style: chr4-79362446-G-A.
Other names: c.5660G>A, p.Gly1887Glu (NM_001166133.2); short protein forms G1887E.
Identifiers: ClinVar variation 3632972 (VCV003632972.2).
Genomic context (GRCh38, chr4:78,441,292, plus strand): 5'-AGAGAGATGCCATCATTAAACTAAGTGCTCTGCCCAAATATGGCTGCATTGAGAACACAG[G>A]AACAGGTACTACTTCCTGTAAAACTGTTAAGGACCTTGAGAGAAGGGAGGGGAGAGGGAG-3'
Protein context (NP_079350.5, residues 1877-1897): LPKYGCIENT[Gly1887Glu]TGDRFGPETA